The following is an entry in ClinVar:

ClinVar aggregate classification (germline): Uncertain significance (1 of 4 stars; one submission).

Submission:

Labcorp Genetics (formerly Invitae), Labcorp
Classification: Uncertain significance. Last evaluated: 2025-09-03. Review status: criteria provided, single submitter. Criteria: Invitae Variant Classification Sherloc (09022015). Collection method: clinical testing. Allele origin: germline.
Comment: This sequence change replaces isoleucine, which is neutral and non-polar, with asparagine, which is neutral and polar, at codon 518 of the PRDM13 protein (p.Ile518Asn). This variant is not present in population databases (gnomAD no frequency). This variant has not been reported in the literature in individuals affected with PRDM13-related conditions. An algorithm developed to predict the effect of missense changes on protein structure and function (PolyPhen-2) suggests that this variant is likely to be disruptive. In summary, the available evidence is currently insufficient to determine the role of this variant in disease. Therefore, it has been classified as a Variant of Uncertain Significance.

NM_021620.4(PRDM13):c.1553T>A (p.Ile518Asn)

Gene: PRDM13 (PR/SET domain 13; plus strand). Cytogenetic location: 6q16.2.
Variant type: single nucleotide variant.
Coding change: c.1553T>A on transcript NM_021620.4 (MANE Select); coding-DNA position 1553, T replaced by A.
Protein change: p.Ile518Asn; replaces isoleucine 518 with asparagine.
Molecular consequence: missense variant.
Genome position (GRCh38, 1-based): chr6:99,614,188, T>A. VCF-style: chr6-99614188-T-A. GRCh37 (hg19) VCF-style: chr6-100062064-T-A.
Other names: short protein forms I518N.
Identifiers: ClinVar variation 4695575 (VCV004695575.1).